The following is an entry in ClinVar:

NC_000012.11:g.(6204751_6219539)_(6220135_6230339)del

Gene: VWF (von Willebrand factor; minus strand). Cytogenetic location: 12p13.31.
Variant type: Deletion.
Identifiers: ClinVar variation 1065239 (VCV001065239.3).

ClinVar aggregate classification (germline): Pathogenic (0 of 4 stars; one submission).

Conditions:
von Willebrand disease type 3 (VWD3). Also called: Type 3 Von Willebrand's disease; Type 3 VWD; Von Willebrand disease, severe form; V WD3; VON WILLEBRAND DISEASE, TYPE III. Identifiers: Orphanet 166096, MedGen C1264041, MONDO:0010191, OMIM 277480.

Submission:

Angelo Bianchi Bonomi Hemophilia and Thrombosis Center, Fondazione IRCCS Ca Granda Ospedale Maggiore Policlinico
Classification: Pathogenic for von Willebrand disease type 3. Last evaluated: 2021-04-12. Review status: no assertion criteria provided. Collection method: clinical testing. Allele origin: germline. Affected: yes. Study: Type 3 Von Willebrand International Registries Inhibitor Prospective Study (3WINTERS-IPS).
Comment: CNV Interpretation Scoring Rubric: Copy Number LOSS

Literature cited by the submitters: PubMed 23311757.